The following is an entry in ClinVar:

ClinVar aggregate classification (germline): Uncertain significance. Review status: criteria provided, multiple submitters, no conflicts (2 of 4 stars). 2 submissions from 2 submitters: Uncertain significance (2). Last evaluated 2022-12-27.

gnomAD v4.1: 3 of 1,613,588 alleles (0.00019%); highest among the groups gnomAD compares: Admixed American, 0.0017%; no homozygotes.

Submissions (2):

Labcorp Genetics (formerly Invitae), Labcorp
Classification: Uncertain significance. Last evaluated: 2022-12-27. Review status: criteria provided, single submitter. Criteria: Invitae Variant Classification Sherloc (09022015). Collection method: clinical testing. Allele origin: germline.
Comment: In summary, the available evidence is currently insufficient to determine the role of this variant in disease. Therefore, it has been classified as a Variant of Uncertain Significance. Advanced modeling of protein sequence and biophysical properties (such as structural, functional, and spatial information, amino acid conservation, physicochemical variation, residue mobility, and thermodynamic stability) performed at Invitae indicates that this missense variant is not expected to disrupt CNNM2 protein function. ClinVar contains an entry for this variant (Variation ID: 1298496). This variant has not been reported in the literature in individuals affected with CNNM2-related conditions. This variant is present in population databases (no rsID available, gnomAD 0.0009%). This sequence change replaces valine, which is neutral and non-polar, with isoleucine, which is neutral and non-polar, at codon 567 of the CNNM2 protein (p.Val567Ile).

CeGaT Center for Human Genetics Tuebingen
Classification: Uncertain significance. Last evaluated: 2021-08-01. Review status: criteria provided, single submitter. Criteria: CeGaT Center For Human Genetics Tuebingen Variant Classification Criteria Version 2. Collection method: clinical testing. Allele origin: germline. Affected: yes. Observed: 1 variant allele.

NM_017649.5(CNNM2):c.1699G>A (p.Val567Ile)

Gene: CNNM2 (cyclin and CBS domain divalent metal cation transport mediator 2; plus strand). Cytogenetic location: 10q24.32.
Variant type: single nucleotide variant.
Coding change: c.1699G>A on transcript NM_017649.5 (MANE Select); coding-DNA position 1699, G replaced by A.
Protein change: p.Val567Ile; replaces valine 567 with isoleucine.
Molecular consequence: missense variant.
Genome position (GRCh38, 1-based): chr10:103,049,784, G>A. VCF-style: chr10-103049784-G-A. GRCh37 (hg19) VCF-style: chr10-104809541-G-A.
Other names: c.1699G>A, p.Val567Ile (NM_199076.3); short protein forms V567I.
Identifiers: ClinVar variation 1298496 (VCV001298496.38), dbSNP rs1402194113, ClinGen allele CA377956476.
Genomic context (GRCh38, chr10:103,049,784, plus strand): 5'-ATCGTGCAGCGGGTAAACAATGAGGGAGAAGGGGATCCATTTTATGAAGTTCTGGGAATC[G>A]TCACCTTAGAAGATGTGATTGAAGAAATCATCAAATCTGAGATTCTTGATGAAACAGATT-3'
Protein context (NP_060119.3, residues 557-577): GDPFYEVLGI[Val567Ile]TLEDVIEEII